The following is an entry in ClinVar:

ClinVar aggregate classification (germline): Pathogenic/Likely pathogenic. Review status: criteria provided, multiple submitters, no conflicts (2 of 4 stars). 3 submissions from 3 submitters: Pathogenic (2); Likely pathogenic (1). Last evaluated 2026-05-16.

Conditions:
CNGB3-related disorder. Also called: CNGB3-related disorders; CNGB3-related condition. Identifiers: MedGen CN239340.
Achromatopsia 3 (ACHM3). Also called: ACHROMATOPSIA WITH MYOPIA; PINGELAPESE BLINDNESS; TOTAL COLORBLINDNESS WITH MYOPIA; ROD MONOCHROMACY 1; ROD MONOCHROMATISM 1. Identifiers: Orphanet 49382, MedGen C1849792, MONDO:0009875, OMIM 262300.

Submissions (3):

Myriad Genetics, Inc.
Classification: Pathogenic for Achromatopsia 3. Last evaluated: 2026-05-16. Review status: criteria provided, single submitter. Criteria: Myriad Autosomal Dominant, Autosomal Recessive and X-Linked Classification Criteria (2023). Collection method: clinical testing. Allele origin: unknown.
Comment: NM_019098.4(CNGB3):c.1706_1707delTC(V569Afs*7) is expected to be pathogenic in the context of achromatopsia, CNGB3-related. This variant is predicted to lead to an abnormal or absent protein product due to the creation of a premature termination codon in CNGB3, a gene where loss-of-function variants are known to be pathogenic. Please note: this variant was assessed in the context of healthy population screening.

Blueprint Genetics
Classification: Likely pathogenic for CNGB3-related disorders. Last evaluated: 2023-06-14. Review status: criteria provided, single submitter. Criteria: ACMG Guidelines, 2015. Collection method: clinical testing. Allele origin: germline. Affected: yes. Observed: 2 variant alleles.

Labcorp Genetics (formerly Invitae), Labcorp
Classification: Pathogenic. Last evaluated: 2020-02-20. Review status: criteria provided, single submitter. Criteria: Invitae Variant Classification Sherloc (09022015). Collection method: clinical testing. Allele origin: germline.
Comment: Loss-of-function variants in CNGB3 are known to be pathogenic (PMID: 28795510). For these reasons, this variant has been classified as Pathogenic. This variant has not been reported in the literature in individuals with CNGB3-related conditions. This variant is not present in population databases (ExAC no frequency). This sequence change creates a premature translational stop signal (p.Val569Alafs*7) in the CNGB3 gene. It is expected to result in an absent or disrupted protein product.

Literature cited by the submitters: PubMed 28795510 (cited by Labcorp Genetics (formerly Invitae), Labcorp).

NM_019098.5(CNGB3):c.1706_1707del (p.Val569fs)

Gene: CNGB3 (cyclic nucleotide gated channel subunit beta 3; minus strand). Cytogenetic location: 8q21.3.
Variant type: Deletion.
Coding change: c.1706_1707del on transcript NM_019098.5 (MANE Select); coding-DNA positions 1706 to 1707, 2 bases deleted (TC; older notation c.1706_1707delTC).
Protein change: p.Val569fs; shifts the reading frame from valine 569.
Molecular consequence: frameshift variant.
Genome position (GRCh38, 1-based): chr8:86,604,167-86,604,168, GA deleted on the plus strand (TC on the coding strand, the reverse complement: CNGB3 is on the minus strand). VCF-style (leftmost placement, unchanged base first): chr8-86604166-GGA-G. GRCh37 (hg19) VCF-style: chr8-87616394-GGA-G.
Other names: short protein forms V569fs.
Identifiers: ClinVar variation 838456 (VCV000838456.9), dbSNP rs1822368895, ClinGen allele CA916083002.
Genomic context (GRCh38, chr8:86,604,166, plus strand): 5'-ACACCGACCCAGCTTTCAGAGTAACCAGAACTTTAGTACCATCAGGGCCTCCAAGAACTT[GGA>G]CTTCTCCATGCTTGATGATATACATTTCCTTGCCAATTTCTCCCTACATTTTAAATATAA-3'